The following is an entry in ClinVar:

NM_153252.5(BRWD3):c.5290G>T (p.Asp1764Tyr)

Gene: BRWD3 (bromodomain and WD repeat domain containing 3; minus strand). Cytogenetic location: Xq21.1.
Variant type: single nucleotide variant.
Coding change: c.5290G>T on transcript NM_153252.5 (MANE Select); coding-DNA position 5290, G replaced by T.
Protein change: p.Asp1764Tyr; replaces aspartic acid 1764 with tyrosine.
Molecular consequence: missense variant.
Genome position (GRCh38, 1-based): chrX:80,676,728, C>A on the plus strand (G>T on the coding strand, the complement: BRWD3 is on the minus strand). VCF-style: chrX-80676728-C-A. GRCh37 (hg19) VCF-style: chrX-79932227-C-A.
Other names: c.5140G>T, p.Asp1714Tyr (NM_001441339.1); short protein forms D1764Y, D1714Y.
Identifiers: ClinVar variation 5008577 (VCV005008577.1).

ClinVar aggregate classification (germline): Uncertain significance (1 of 4 stars; one submission).

Submission:

GeneDx
Classification: Uncertain significance. Last evaluated: 2026-03-04. Review status: criteria provided, single submitter. Criteria: GeneDx Variant Classification Process June 2021. Collection method: clinical testing. Allele origin: germline.
Comment: Not observed at significant frequency in large population cohorts (gnomAD); In silico analysis supports that this missense variant has a deleterious effect on protein structure/function; Has not been previously published as pathogenic or benign to our knowledge